The following is an entry in ClinVar:

ClinVar aggregate classification (germline): Conflicting classifications of pathogenicity. Review status: criteria provided, conflicting classifications (1 of 4 stars). 5 submissions from 5 submitters: Uncertain significance (1); Likely benign (4). Last evaluated 2026-07-01.

Conditions:
Malignant hyperthermia, susceptibility to, 1 (MHS1). Also called: Anesthesia related hyperthermia; Malignant hyperpyrexia; Fulminating hyperpyrexia; Pharmacogenic myopathy; Malignant hyperthermia suceptibility 1; RYR1-Related Malignant Hyperthermia Susceptibility. Identifiers: Orphanet 423, MedGen C2930980, MONDO:0007783, OMIM 145600.
RYR1-related disorder. Also called: RYR1-related condition; RYR1-related disorders. Identifiers: MedGen CN239331.

Allele frequency attached by ClinVar (database versions not stated): ESP Exome Variant Server 0.00008; gnomAD 0.00009 and 0.00007; TOPMed 0.00017; 1000 Genomes Project 30x 0.00031; 1000 Genomes Project 0.00040; gnomAD exomes 0.00001 and 0.00003; ExAC 0.00002.
gnomAD v4.1: 35 of 1,614,140 alleles (0.0022%); highest among the groups gnomAD compares: African/African-American, 0.037%; no homozygotes.

Submissions (5):

CeGaT Center for Human Genetics Tuebingen
Classification: Likely benign. Last evaluated: 2026-07-01. Review status: criteria provided, single submitter. Criteria: CeGaT Center For Human Genetics Tuebingen Variant Classification Criteria Version 2. Collection method: clinical testing. Allele origin: germline. Affected: yes. Observed: 1 variant allele.
Comment: RYR1: BP4, BP7

Labcorp Genetics (formerly Invitae), Labcorp
Classification: Likely benign for RYR1-related disorder. Last evaluated: 2025-01-23. Review status: criteria provided, single submitter. Criteria: Invitae Variant Classification Sherloc (09022015). Collection method: clinical testing. Allele origin: germline.

Blueprint Genetics
Classification: Likely benign. Last evaluated: 2024-01-30. Review status: criteria provided, single submitter. Criteria: ACMG Guidelines, 2015. Collection method: clinical testing. Allele origin: germline.

Color Diagnostics, LLC DBA Color Health
Classification: Likely benign for Malignant hyperthermia, susceptibility to, 1. Last evaluated: 2022-11-06. Review status: criteria provided, single submitter. Criteria: ACMG Guidelines, 2015. Collection method: clinical testing. Allele origin: germline.

Eurofins Ntd Llc (ga)
Classification: Uncertain significance. Last evaluated: 2018-05-15. Review status: criteria provided, single submitter. Criteria: EGL ClinVar v180209 classification definitions. Collection method: clinical testing. Allele origin: germline. Observed: 1 variant allele, 1 heterozygote.

NM_000540.3(RYR1):c.10032C>T (p.Pro3344=)

Gene: RYR1 (ryanodine receptor 1; plus strand). Cytogenetic location: 19q13.2.
Variant type: single nucleotide variant.
Coding change: c.10032C>T on transcript NM_000540.3 (MANE Select); coding-DNA position 10032, C replaced by T.
Protein change: p.Pro3344=; no amino-acid change (proline 3344 retained).
Molecular consequence: synonymous variant.
Genome position (GRCh38, 1-based): chr19:38,519,227, C>T. VCF-style: chr19-38519227-C-T. GRCh37 (hg19) VCF-style: chr19-39009867-C-T.
Other names: c.10032C>T, p.Pro3344= (NM_001042723.2).
Identifiers: ClinVar variation 597038 (VCV000597038.18), dbSNP rs376687300, ClinGen allele CA052219.